The following is an entry in ClinVar:

NM_000553.6(WRN):c.3019G>A (p.Gly1007Ser)

Gene: WRN (WRN RecQ like helicase; plus strand). Cytogenetic location: 8p12.
Variant type: single nucleotide variant.
Coding change: c.3019G>A on transcript NM_000553.6 (MANE Select); coding-DNA position 3019, G replaced by A.
Protein change: p.Gly1007Ser; replaces glycine 1007 with serine.
Molecular consequence: missense variant.
Genome position (GRCh38, 1-based): chr8:31,141,481, G>A. VCF-style: chr8-31141481-G-A. GRCh37 (hg19) VCF-style: chr8-30998997-G-A.
Other names: short protein forms G1007S.
Identifiers: ClinVar variation 646790 (VCV000646790.1), dbSNP rs1585514384, ClinGen allele CA370921870.

ClinVar aggregate classification (germline): Uncertain significance (1 of 4 stars; one submission).

Conditions:
Werner syndrome (WRN). Identifiers: Orphanet 902, MedGen C0043119, MONDO:0010196, OMIM 277700.

Allele frequency attached by ClinVar (database versions not stated): gnomAD exomes below 0.00001.
gnomAD v4.1: 2 of 1,614,112 alleles (0.00012%); highest among the groups gnomAD compares: Non-Finnish European, 0.00017%; no homozygotes.

Submission:

Labcorp Genetics (formerly Invitae), Labcorp
Classification: Uncertain significance for Werner syndrome. Last evaluated: 2018-08-17. Review status: criteria provided, single submitter. Criteria: Invitae Variant Classification Sherloc (09022015). Collection method: clinical testing. Allele origin: germline.
Comment: This sequence change replaces glycine with serine at codon 1007 of the WRN protein (p.Gly1007Ser). The glycine residue is highly conserved and there is a small physicochemical difference between glycine and serine. This variant is not present in population databases (ExAC no frequency). This variant has not been reported in the literature in individuals with WRN-related disease. Algorithms developed to predict the effect of missense changes on protein structure and function (SIFT, PolyPhen-2, Align-GVGD) all suggest that this variant is likely to be disruptive, but these predictions have not been confirmed by published functional studies and their clinical significance is uncertain. Algorithms developed to predict the effect of sequence changes on RNA splicing suggest that this variant may create or strengthen a splice site, but this prediction has not been confirmed by published transcriptional studies. In summary, the available evidence is currently insufficient to determine the role of this variant in disease. Therefore, it has been classified as a Variant of Uncertain Significance.